The following is an entry in ClinVar:

NM_000038.6(APC):c.7860T>G (p.Phe2620Leu)

Gene: APC (APC regulator of Wnt signaling pathway; plus strand). Cytogenetic location: 5q22.2.
Variant type: single nucleotide variant.
Coding change: c.7860T>G on transcript NM_000038.6 (MANE Select); coding-DNA position 7860, T replaced by G.
Protein change: p.Phe2620Leu; replaces phenylalanine 2620 with leucine.
Molecular consequence: missense variant. On other transcripts: non-coding transcript variant (2).
Genome position (GRCh38, 1-based): chr5:112,843,454, T>G. VCF-style: chr5-112843454-T-G. GRCh37 (hg19) VCF-style: chr5-112179151-T-G.
Other names: c.7860T>G, p.Phe2620Leu (NM_001127510.3, NM_001354895.2, NM_001407450.1); c.7806T>G, p.Phe2602Leu (NM_001127511.3); c.7914T>G, p.Phe2638Leu (NM_001354896.2, NM_001407447.1, NM_001407448.1 and 1 more transcripts); c.7890T>G, p.Phe2630Leu (NM_001354897.2); c.7785T>G, p.Phe2595Leu (NM_001354898.2); c.7776T>G, p.Phe2592Leu (NM_001354899.2); c.7737T>G, p.Phe2579Leu (NM_001354900.2); c.7683T>G, p.Phe2561Leu (NM_001354901.2, NM_001407453.1); and 11 more; short protein forms F2337L, F2491L, F2519L, F2529L, F2592L, F2610L, F2620L, F2494L.
Identifiers: ClinVar variation 4764177 (VCV004764177.1).

ClinVar aggregate classification (germline): Uncertain significance (1 of 4 stars; one submission).

Conditions:
Familial adenomatous polyposis 1 (FAP1). Also called: FAMILIAL ADENOMATOUS POLYPOSIS 1, ATTENUATED; POLYPOSIS, ADENOMATOUS INTESTINAL. Identifiers: MedGen C2713442, MONDO:0021056, OMIM 175100. Disease mechanism: loss of function.

Submission:

Labcorp Genetics (formerly Invitae), Labcorp
Classification: Uncertain significance for Familial adenomatous polyposis 1. Last evaluated: 2025-05-13. Review status: criteria provided, single submitter. Criteria: Invitae Variant Classification Sherloc (09022015). Collection method: clinical testing. Allele origin: germline.
Comment: This sequence change replaces phenylalanine, which is neutral and non-polar, with leucine, which is neutral and non-polar, at codon 2620 of the APC protein (p.Phe2620Leu). This variant is not present in population databases (gnomAD no frequency). This variant has not been reported in the literature in individuals affected with APC-related conditions. Invitae Evidence Modeling of protein sequence and biophysical properties (such as structural, functional, and spatial information, amino acid conservation, physicochemical variation, residue mobility, and thermodynamic stability) indicates that this missense variant is not expected to disrupt APC protein function with a negative predictive value of 95%. In summary, the available evidence is currently insufficient to determine the role of this variant in disease. Therefore, it has been classified as a Variant of Uncertain Significance.